The following is an entry in ClinVar:

ClinVar aggregate classification (germline): Likely benign (1 of 4 stars; one submission).

gnomAD v4.1: 7,868 of 1,613,724 alleles (0.49%); highest among the groups gnomAD compares: Middle Eastern, 2.5%; 45 homozygotes.

Submission:

CeGaT Center for Human Genetics Tuebingen
Classification: Likely benign. Last evaluated: 2024-11-01. Review status: criteria provided, single submitter. Criteria: CeGaT Center For Human Genetics Tuebingen Variant Classification Criteria Version 2. Collection method: clinical testing. Allele origin: germline. Affected: yes. Observed: 1 variant allele.
Comment: PRRC2C: BP4, BP7, BS2

NM_001387844.1(PRRC2C):c.3066A>G (p.Val1022=)

Gene: PRRC2C (proline rich coiled-coil 2C; plus strand). Cytogenetic location: 1q24.3.
Variant type: single nucleotide variant.
Coding change: c.3066A>G on transcript NM_001387844.1 (MANE Select); coding-DNA position 3066, A replaced by G.
Protein change: p.Val1022=; no amino-acid change (valine 1022 retained).
Molecular consequence: synonymous variant.
Genome position (GRCh38, 1-based): chr1:171,540,532, A>G. VCF-style: chr1-171540532-A-G. GRCh37 (hg19) VCF-style: chr1-171509671-A-G.
Other names: c.3060A>G, p.Val1020= (NM_015172.4).
Identifiers: ClinVar variation 3387928 (VCV003387928.14).